The following is an entry in ClinVar:

NM_053025.4(MYLK):c.643A>G (p.Met215Val)

Gene: MYLK (myosin light chain kinase; minus strand). Cytogenetic location: 3q21.1.
Variant type: single nucleotide variant.
Coding change: c.643A>G on transcript NM_053025.4 (MANE Select); coding-DNA position 643, A replaced by G.
Protein change: p.Met215Val; replaces methionine 215 with valine.
Molecular consequence: missense variant.
Genome position (GRCh38, 1-based): chr3:123,737,489, T>C on the plus strand (A>G on the coding strand, the complement: MYLK is on the minus strand). VCF-style: chr3-123737489-T-C. GRCh37 (hg19) VCF-style: chr3-123456336-T-C.
Other names: c.115A>G, p.Met39Val (NM_001321309.2); c.643A>G, p.Met215Val (NM_053026.4, NM_053027.4, NM_053028.4); short protein forms M215V, M39V.
Identifiers: ClinVar variation 342902 (VCV000342902.19), dbSNP rs754479443, ClinGen allele CA073411.

ClinVar aggregate classification (germline): Conflicting classifications of pathogenicity. Review status: criteria provided, conflicting classifications (1 of 4 stars). 5 submissions from 5 submitters: Uncertain significance (4); Likely benign (1). Last evaluated 2025-09-09.

Conditions:
Familial thoracic aortic aneurysm and aortic dissection (TAAD). Also called: Thoracic aortic aneurysms and dissections. Identifiers: Orphanet 91387, MedGen C4707243, MONDO:0019625.
Aortic aneurysm, familial thoracic 7 (AAT7). Also called: AORTIC DISSECTION, FAMILIAL, WITH OR WITHOUT AORTIC ANEURYSM. Identifiers: MedGen C3151077, MONDO:0013418, OMIM 613780.

Allele frequency attached by ClinVar (database versions not stated): TOPMed below 0.00001; ExAC 0.00002; gnomAD exomes 0.00002.
gnomAD v4.1: 13 of 1,614,222 alleles (0.00081%); highest among the groups gnomAD compares: Admixed American, 0.0067%; no homozygotes.

Submissions (5):

Labcorp Genetics (formerly Invitae), Labcorp
Classification: Uncertain significance for Aortic aneurysm, familial thoracic 7. Last evaluated: 2025-09-09. Review status: criteria provided, single submitter. Criteria: Invitae Variant Classification Sherloc (09022015). Collection method: clinical testing. Allele origin: germline.
Comment: This sequence change replaces methionine, which is neutral and non-polar, with valine, which is neutral and non-polar, at codon 215 of the MYLK protein (p.Met215Val). This variant is present in population databases (rs754479443, gnomAD 0.01%). This variant has not been reported in the literature in individuals affected with MYLK-related conditions. ClinVar contains an entry for this variant (Variation ID: 342902). Invitae Evidence Modeling of protein sequence and biophysical properties (such as structural, functional, and spatial information, amino acid conservation, physicochemical variation, residue mobility, and thermodynamic stability) indicates that this missense variant is not expected to disrupt MYLK protein function with a negative predictive value of 95%. In summary, the available evidence is currently insufficient to determine the role of this variant in disease. Therefore, it has been classified as a Variant of Uncertain Significance.

Ambry Genetics
Classification: Likely benign for Familial thoracic aortic aneurysm and aortic dissection. Last evaluated: 2022-06-22. Review status: criteria provided, single submitter. Criteria: Ambry Variant Classification Scheme 2023. Collection method: clinical testing. Allele origin: germline.

ARUP Laboratories, Molecular Genetics and Genomics, ARUP Laboratories
Classification: Uncertain significance. Last evaluated: 2021-01-16. Review status: criteria provided, single submitter. Criteria: ARUP Molecular Germline Variant Investigation Process 2021. Collection method: clinical testing. Allele origin: germline.
Comment: The MYLK c.643A>G; p.Met215Val variant (rs754479443), to our knowledge, is not reported in the medical literature but is reported in ClinVar (Variation ID: 342902). This variant is found on only four chromosomes (4/251480 alleles) in the Genome Aggregation Database. The methionine at codon 215 is weakly conserved, and computational analyses predict that this variant is neutral (REVEL: 0.083). However, due to limited information, the clinical significance of the p.Met215Val variant is uncertain at this time.

GeneDx
Classification: Uncertain significance. Last evaluated: 2020-10-19. Review status: criteria provided, single submitter. Criteria: GeneDx Variant Classification Process June 2021. Collection method: clinical testing. Allele origin: germline. Affected: yes.
Comment: Has not been previously published as pathogenic or benign to our knowledge; Reported in ClinVar as a variant of uncertain significance (ClinVar Variant ID# 342902; Landrum et al., 2016); Not observed at a significant frequency in large population cohorts (Lek et al., 2016); In silico analysis supports that this missense variant does not alter protein structure/function

Illumina Laboratory Services, Illumina
Classification: Uncertain significance for Aortic aneurysm, familial thoracic 7. Last evaluated: 2018-01-12. Review status: criteria provided, single submitter. Criteria: ICSL Variant Classification Criteria 13 December 2019. Collection method: clinical testing. Allele origin: germline.